The following is an entry in ClinVar:

NM_001135022.2(ELMOD3):c.943+191C>T

Gene: ELMOD3 (ELMO domain containing 3; plus strand). Cytogenetic location: 2p11.2.
Variant type: single nucleotide variant.
Coding change: c.943+191C>T on transcript NM_001135022.2 (MANE Select); 191 bases into the intron after coding-DNA position 943, C replaced by T.
Molecular consequence: intron variant.
Genome position (GRCh38, 1-based): chr2:85,390,456, C>T. VCF-style: chr2-85390456-C-T. GRCh37 (hg19) VCF-style: chr2-85617579-C-T.
Other names: c.943+191C>T (NM_001329791.2, NM_001135021.2, NM_001135023.2 and 2 more transcripts).
Identifiers: ClinVar variation 508142 (VCV000508142.2), dbSNP rs17851663, ClinGen allele CA1740582.

ClinVar aggregate classification (germline): Benign. Review status: criteria provided, multiple submitters, no conflicts (2 of 4 stars). 2 submissions from 2 submitters: Benign (2). Last evaluated 2017-10-23.

Allele frequency attached by ClinVar (database versions not stated): 1000 Genomes Project 0.04273; 1000 Genomes Project 30x 0.04482; gnomAD exomes 0.04717 and 0.06392; ExAC 0.04900; TOPMed 0.05088; gnomAD 0.05128 and 0.05164; ESP Exome Variant Server 0.06066.

Submissions (2):

GeneDx
Classification: Benign. Last evaluated: 2017-10-23. Review status: criteria provided, single submitter. Criteria: GeneDx Variant Classification (06012015). Collection method: clinical testing. Allele origin: germline. Affected: yes.
Comment: This variant is considered likely benign or benign based on one or more of the following criteria: it is a conservative change, it occurs at a poorly conserved position in the protein, it is predicted to be benign by multiple in silico algorithms, and/or has population frequency not consistent with disease.

Breakthrough Genomics
Classification: Benign. Review status: criteria provided, single submitter. Criteria: ACMG Guidelines, 2015. Collection method: not provided. Allele origin: germline. Inheritance: Autosomal recessive inheritance. Affected: yes.